The following is an entry in ClinVar:

NM_016032.4(ZDHHC9):c.743T>C (p.Phe248Ser)

Gene: ZDHHC9 (zDHHC palmitoyltransferase 9; minus strand). Cytogenetic location: Xq26.1.
Variant type: single nucleotide variant.
Coding change: c.743T>C on transcript NM_016032.4 (MANE Select); coding-DNA position 743, T replaced by C.
Protein change: p.Phe248Ser; replaces phenylalanine 248 with serine.
Molecular consequence: missense variant.
Genome position (GRCh38, 1-based): chrX:129,812,752, A>G on the plus strand (T>C on the coding strand, the complement: ZDHHC9 is on the minus strand). VCF-style: chrX-129812752-A-G. GRCh37 (hg19) VCF-style: chrX-128946728-A-G.
Other names: c.743T>C, p.Phe248Ser (NM_001008222.3); short protein forms F248S.
Identifiers: ClinVar variation 4527408 (VCV004527408.1).

ClinVar aggregate classification (germline): Uncertain significance (1 of 4 stars; one submission).

Submission:

GeneDx
Classification: Uncertain significance. Last evaluated: 2025-04-22. Review status: criteria provided, single submitter. Criteria: GeneDx Variant Classification Process June 2021. Collection method: clinical testing. Allele origin: germline. Affected: yes.
Comment: Not observed at significant frequency in large population cohorts (gnomAD); In silico analysis supports that this missense variant has a deleterious effect on protein structure/function; Has not been previously published as pathogenic or benign to our knowledge